The following is an entry in ClinVar:

NM_031443.4(CCM2):c.803+1G>A

Gene: CCM2 (CCM2 scaffold protein; plus strand). Cytogenetic location: 7p13.
Variant type: single nucleotide variant.
Coding change: c.803+1G>A on transcript NM_031443.4 (MANE Select); the canonical splice donor site of the intron after coding-DNA position 803, G replaced by A.
Molecular consequence: splice donor variant.
Genome position (GRCh38, 1-based): chr7:45,072,784, G>A. VCF-style: chr7-45072784-G-A. GRCh37 (hg19) VCF-style: chr7-45112383-G-A.
Other names: c.926+1G>A (NM_001363458.2); c.530+1G>A (NM_001167935.2); c.752+1G>A (NM_001363459.2); c.629+1G>A (NM_001167934.2); c.866+1G>A (NM_001029835.2).
Identifiers: ClinVar variation 2627307 (VCV002627307.1), dbSNP rs1350848319, ClinGen allele CA367430926.

ClinVar aggregate classification (germline): Likely pathogenic (1 of 4 stars; one submission).

Conditions:
Cerebral cavernous malformation 2. Also called: Familial Cerebral Cavernous Malformation 2. Identifiers: Orphanet 221061, MedGen C1864041, MONDO:0011304, OMIM 603284.

Submission:

Women's Health and Genetics/Laboratory Corporation of America, LabCorp
Classification: Likely pathogenic for Cerebral cavernous malformation 2. Last evaluated: 2023-09-22. Review status: criteria provided, single submitter. Criteria: LabCorp Variant Classification Summary - May 2015. Collection method: clinical testing. Allele origin: germline.
Comment: Variant summary: CCM2 c.803+1G>A is located in a canonical splice-site and is predicted to affect mRNA splicing resulting in a significantly altered protein due to either exon skipping, shortening, or inclusion of intronic material. Three computational tools predict a significant impact on normal splicing, and predict that the variant abolishes a canonical 5' splicing donor site. However, these predictions have yet to be confirmed by functional studies. The variant was absent in 250028 control chromosomes (gnomAD). To our knowledge, no occurrence of c.803+1G>A in individuals affected with Cerebral Cavernous Malformation 2 and no experimental evidence demonstrating its impact on protein function have been reported. No submitters have cited clinical-significance assessments for this variant to ClinVar after 2014. Based on the evidence outlined above, the variant was classified as likely pathogenic.